The following is an entry in ClinVar:

ClinVar aggregate classification (germline): Uncertain significance. Review status: criteria provided, multiple submitters, no conflicts (2 of 4 stars). 2 submissions from 2 submitters: Uncertain significance (2). Last evaluated 2025-11-17.

Conditions:
Hereditary cancer-predisposing syndrome. Also called: Hereditary Cancer Syndrome; Hereditary neoplastic syndrome; Tumor predisposition; Neoplastic Syndromes, Hereditary. Identifiers: Orphanet 140162, MedGen C0027672, MeSH D009386, MONDO:0015356.
Peutz-Jeghers syndrome (PJS). Also called: POLYPOSIS, HAMARTOMATOUS INTESTINAL; POLYPS-AND-SPOTS SYNDROME; Peutz-Jeghers polyposis; Periorificial lentiginosis syndrome. Identifiers: Orphanet 2869, MedGen C0031269, MeSH D010580, MONDO:0008280, OMIM 175200.

Submissions (2):

Labcorp Genetics (formerly Invitae), Labcorp
Classification: Uncertain significance for Peutz-Jeghers syndrome. Last evaluated: 2025-11-17. Review status: criteria provided, single submitter. Criteria: Invitae Variant Classification Sherloc (09022015). Collection method: clinical testing. Allele origin: germline.
Comment: This sequence change replaces isoleucine, which is neutral and non-polar, with valine, which is neutral and non-polar, at codon 26 of the STK11 protein (p.Ile26Val). This variant is not present in population databases (gnomAD no frequency). This variant has not been reported in the literature in individuals affected with STK11-related conditions. ClinVar contains an entry for this variant (Variation ID: 458063). Invitae Evidence Modeling of protein sequence and biophysical properties (such as structural, functional, and spatial information, amino acid conservation, physicochemical variation, residue mobility, and thermodynamic stability) has been performed for this missense variant. However, the output from this modeling did not meet the statistical confidence thresholds required to predict the impact of this variant on STK11 protein function. In summary, the available evidence is currently insufficient to determine the role of this variant in disease. Therefore, it has been classified as a Variant of Uncertain Significance.

Ambry Genetics
Classification: Uncertain significance for Hereditary cancer-predisposing syndrome. Last evaluated: 2020-02-03. Review status: criteria provided, single submitter. Criteria: Ambry Variant Classification Scheme 2023. Collection method: clinical testing. Allele origin: germline.
Comment: The p.I26V variant (also known as c.76A>G), located in coding exon 1 of the STK11 gene, results from an A to G substitution at nucleotide position 76. The isoleucine at codon 26 is replaced by valine, an amino acid with highly similar properties. This amino acid position is highly conserved in available vertebrate species. In addition, the in silico prediction for this alteration is inconclusive. Since supporting evidence is limited at this time, the clinical significance of this alteration remains unclear.

NM_000455.5(STK11):c.76A>G (p.Ile26Val)

Gene: STK11 (serine/threonine kinase 11; plus strand). Cytogenetic location: 19p13.3.
Variant type: single nucleotide variant.
Coding change: c.76A>G on transcript NM_000455.5 (MANE Select); coding-DNA position 76, A replaced by G.
Protein change: p.Ile26Val; replaces isoleucine 26 with valine.
Molecular consequence: missense variant.
Genome position (GRCh38, 1-based): chr19:1,206,989, A>G. VCF-style: chr19-1206989-A-G. GRCh37 (hg19) VCF-style: chr19-1206988-A-G.
Other names: short protein forms I26V.
Identifiers: ClinVar variation 458063 (VCV000458063.11), dbSNP rs1555734913, ClinGen allele CA402943520.
Genomic context (GRCh38, chr19:1,206,989, plus strand): 5'-CCGCAGCAGCTGGGCATGTTCACGGAGGGCGAGCTGATGTCGGTGGGTATGGACACGTTC[A>G]TCCACCGCATCGACTCCACCGAGGTCATCTACCAGCCGCGCCGCAAGCGGGCCAAGCTCA-3'
Protein context (NP_000446.1, residues 16-36): ELMSVGMDTF[Ile26Val]HRIDSTEVIY